The following is an entry in ClinVar:

NM_014423.4(AFF4):c.268T>C (p.Ser90Pro)

Gene: AFF4 (ALF transcription elongation factor 4; minus strand). Cytogenetic location: 5q31.1.
Variant type: single nucleotide variant.
Coding change: c.268T>C on transcript NM_014423.4 (MANE Select); coding-DNA position 268, T replaced by C.
Protein change: p.Ser90Pro; replaces serine 90 with proline.
Molecular consequence: missense variant.
Genome position (GRCh38, 1-based): chr5:132,934,797, A>G on the plus strand (T>C on the coding strand, the complement: AFF4 is on the minus strand). VCF-style: chr5-132934797-A-G. GRCh37 (hg19) VCF-style: chr5-132270489-A-G.
Other names: short protein forms S90P.
Identifiers: ClinVar variation 3348419 (VCV003348419.1).

ClinVar aggregate classification (germline): Uncertain significance (0 of 4 stars; one submission).

Conditions:
AFF4-related disorder. Also called: AFF4-related condition.

Submission:

PreventionGenetics, part of Exact Sciences
Classification: Uncertain significance for AFF4-related condition. Last evaluated: 2024-01-31. Review status: no assertion criteria provided. Collection method: clinical testing. Allele origin: germline.
Comment: The AFF4 c.268T>C variant is predicted to result in the amino acid substitution p.Ser90Pro. To our knowledge, this variant has not been reported in the literature or in a large population database, indicating this variant is rare. At this time, the clinical significance of this variant is uncertain due to the absence of conclusive functional and genetic evidence.